The following is an entry in ClinVar:

ClinVar aggregate classification (germline): Uncertain significance (1 of 4 stars; one submission).

Conditions:
Developmental and epileptic encephalopathy, 30 (DEE30). Also called: Epileptic encephalopathy, early infantile, 30. Identifiers: MedGen C4225360, MONDO:0014595, OMIM 616341.

Submission:

Labcorp Genetics (formerly Invitae), Labcorp
Classification: Uncertain significance for Developmental and epileptic encephalopathy, 30. Last evaluated: 2025-10-01. Review status: criteria provided, single submitter. Criteria: Invitae Variant Classification Sherloc (09022015). Collection method: clinical testing. Allele origin: germline.
Comment: This sequence change falls in intron 9 of the SIK1 gene. It does not directly change the encoded amino acid sequence of the SIK1 protein. It affects a nucleotide within the consensus splice site. This variant is not present in population databases (gnomAD no frequency). This variant has not been reported in the literature in individuals affected with SIK1-related conditions. Variants that disrupt the consensus splice site are a relatively common cause of aberrant splicing (PMID: 17576681, 9536098). Algorithms developed to predict the effect of sequence changes on RNA splicing suggest that this variant may disrupt the consensus splice site. In summary, the available evidence is currently insufficient to determine the role of this variant in disease. Therefore, it has been classified as a Variant of Uncertain Significance.

Literature cited by the submitters: PubMed 17576681; PubMed 9536098.

NM_173354.5(SIK1):c.1119+5G>A

Gene: SIK1 (salt inducible kinase 1; minus strand). Cytogenetic location: 21q22.3.
Variant type: single nucleotide variant.
Coding change: c.1119+5G>A on transcript NM_173354.5 (MANE Select); 5 bases into the intron after coding-DNA position 1119, G replaced by A.
Molecular consequence: intron variant.
Genome position (GRCh38, 1-based): chr21:43,419,854, C>T on the plus strand (G>A on the coding strand, the complement: SIK1 is on the minus strand). VCF-style: chr21-43419854-C-T. GRCh37 (hg19) VCF-style: chr21-44839734-C-T.
Identifiers: ClinVar variation 4718395 (VCV004718395.1).